The following is an entry in ClinVar:

ClinVar aggregate classification (germline): Uncertain significance. Review status: criteria provided, multiple submitters, no conflicts (2 of 4 stars). 2 submissions from 2 submitters: Uncertain significance (2). Last evaluated 2024-01-09.

Conditions:
Spastic paraplegia, intellectual disability, nystagmus, and obesity. Also called: Spastic paraplegia, intellectual disability, nystagmus, and obesity;. Identifiers: Orphanet 521390, MedGen C4284592, MONDO:0015007, OMIM 617296.

gnomAD v4.1: 1 of 1,608,578 alleles (0.000062%); highest among the groups gnomAD compares: Non-Finnish European, 0.000085%; no homozygotes.

Submissions (2):

Labcorp Genetics (formerly Invitae), Labcorp
Classification: Uncertain significance. Last evaluated: 2024-01-09. Review status: criteria provided, single submitter. Criteria: Invitae Variant Classification Sherloc (09022015). Collection method: clinical testing. Allele origin: germline.
Comment: This sequence change replaces isoleucine, which is neutral and non-polar, with phenylalanine, which is neutral and non-polar, at codon 86 of the KIDINS220 protein (p.Ile86Phe). This variant is not present in population databases (gnomAD no frequency). This variant has not been reported in the literature in individuals affected with KIDINS220-related conditions. An algorithm developed to predict the effect of missense changes on protein structure and function (PolyPhen-2) suggests that this variant is likely to be disruptive. In summary, the available evidence is currently insufficient to determine the role of this variant in disease. Therefore, it has been classified as a Variant of Uncertain Significance.

Victorian Clinical Genetics Services, Murdoch Childrens Research Institute
Classification: Uncertain significance for Spastic paraplegia, intellectual disability, nystagmus, and obesity. Last evaluated: 2022-02-02. Review status: criteria provided, single submitter. Criteria: ACMG Guidelines, 2015. Collection method: clinical testing. Allele origin: germline. Inheritance: Autosomal dominant inheritance. Affected: yes.
Comment: Based on the classification scheme VCGS_Germline_v1.3.4, this variant is classified as VUS-3B. Following criteria are met: 0105 - The mechanism of disease for this gene is not clearly established. (I) 0108 - This gene is associated with both recessive and dominant disease. Protein truncating variants are reported to cause autosomal dominant spastic paraplegia, intellectual disability, nystagmus, and obesity (MIM#617296), and autosomal recessive NMD-predicted variants are associated with ventriculomegaly and arthrogryposis (MIM#619501) (PMID: 28934391, PMID: 32909676). (I) 0200 - Variant is predicted to result in a missense amino acid change from isoleucine to phenylalanine. (I) 0251 - This variant is heterozygous. (I) 0301 - Variant is absent from gnomAD (both v2 and v3). (SP) 0309 - Multiple alternative amino acid changes at the same position have been observed in gnomAD (v2) (highest allele count: 1 heterozygote, 0 homozygote). (I) 0503 - Missense variant consistently predicted to be tolerated by multiple in silico tools or not conserved in placental mammals with a minor amino acid change. (SB) 0600 - Variant is located in the annotated Ankyrin repeat domain (DECIPHER). (I) 0705 - No comparable missense variants have previous evidence for pathogenicity. (I) 0807 - This variant has no previous evidence of pathogenicity. (I) 0905 - No published segregation evidence has been identified for this variant. (I) 1007 - No published functional evidence has been identified for this variant. (I) 1208 - Inheritance information for this variant is not currently available in this individual. (I) Legend: (SP) - Supporting pathogenic, (I) - Information, (SB) - Supporting benign

Literature cited by the submitters: PubMed 28934391 (cited by Victorian Clinical Genetics Services, Murdoch Childrens Research Institute); PubMed 32909676 (cited by Victorian Clinical Genetics Services, Murdoch Childrens Research Institute).

NM_020738.4(KIDINS220):c.256A>T (p.Ile86Phe)

Gene: KIDINS220 (kinase D interacting substrate 220; minus strand). Cytogenetic location: 2p25.1.
Variant type: single nucleotide variant.
Coding change: c.256A>T on transcript NM_020738.4 (MANE Select); coding-DNA position 256, A replaced by T.
Protein change: p.Ile86Phe; replaces isoleucine 86 with phenylalanine.
Molecular consequence: missense variant. On other transcripts: non-coding transcript variant (2).
Genome position (GRCh38, 1-based): chr2:8,817,668, T>A on the plus strand (A>T on the coding strand, the complement: KIDINS220 is on the minus strand). VCF-style: chr2-8817668-T-A. GRCh37 (hg19) VCF-style: chr2-8957798-T-A.
Other names: c.256A>T, p.Ile86Phe (NM_001348729.2, NM_001348731.2, NM_001348732.2 and 9 more transcripts); c.130A>T, p.Ile44Phe (NM_001348736.2); c.256A>T (NM_020738.3); short protein forms I44F, I86F.
Identifiers: ClinVar variation 2993919 (VCV002993919.4), dbSNP rs1464107220, ClinGen allele CA345774653.